The following is an entry in ClinVar:

ClinVar aggregate classification (germline): Uncertain significance. Review status: criteria provided, multiple submitters, no conflicts (2 of 4 stars). 2 submissions from 2 submitters: Uncertain significance (2). Last evaluated 2025-09-14.

Conditions:
Baller-Gerold syndrome (BGS). Also called: CRANIOSYNOSTOSIS WITH RADIAL DEFECTS. Identifiers: Orphanet 1225, MedGen C0265308, MONDO:0009039, OMIM 218600.
Inborn genetic diseases. Identifiers: MedGen C0950123, MeSH D030342.

Submissions (2):

Ambry Genetics
Classification: Uncertain significance for Inborn genetic diseases. Last evaluated: 2025-09-14. Review status: criteria provided, single submitter. Criteria: Ambry Variant Classification Scheme 2023. Collection method: clinical testing. Allele origin: germline.
Comment: The p.F839S variant (also known as c.2516T>C), located in coding exon 15 of the RECQL4 gene, results from a T to C substitution at nucleotide position 2516. The phenylalanine at codon 839 is replaced by serine, an amino acid with highly dissimilar properties. This amino acid position is conserved. In addition, the in silico prediction for this alteration is inconclusive. Based on the available evidence, the clinical significance of this variant remains unclear.

Labcorp Genetics (formerly Invitae), Labcorp
Classification: Uncertain significance for Baller-Gerold syndrome. Last evaluated: 2022-05-26. Review status: criteria provided, single submitter. Criteria: Invitae Variant Classification Sherloc (09022015). Collection method: clinical testing. Allele origin: germline.
Comment: This sequence change replaces phenylalanine, which is neutral and non-polar, with serine, which is neutral and polar, at codon 839 of the RECQL4 protein (p.Phe839Ser). In summary, the available evidence is currently insufficient to determine the role of this variant in disease. Therefore, it has been classified as a Variant of Uncertain Significance. Experimental studies and prediction algorithms are not available or were not evaluated, and the functional significance of this variant is currently unknown. This variant has not been reported in the literature in individuals affected with RECQL4-related conditions. This variant is not present in population databases (gnomAD no frequency).

NM_004260.4(RECQL4):c.2516T>C (p.Phe839Ser)

Gene: RECQL4 (RecQ like helicase 4; minus strand). Cytogenetic location: 8q24.3.
Variant type: single nucleotide variant.
Coding change: c.2516T>C on transcript NM_004260.4 (MANE Select); coding-DNA position 2516, T replaced by C.
Protein change: p.Phe839Ser; replaces phenylalanine 839 with serine.
Molecular consequence: missense variant.
Genome position (GRCh38, 1-based): chr8:144,513,086, A>G on the plus strand (T>C on the coding strand, the complement: RECQL4 is on the minus strand). VCF-style: chr8-144513086-A-G. GRCh37 (hg19) VCF-style: chr8-145738469-A-G.
Other names: c.2516T>C (NM_004260.3); c.2165T>C, p.Phe722Ser (NM_001413029.1); c.1379T>C, p.Phe460Ser (NM_001413030.1, NM_001413032.1, NM_001413027.1 and 1 more transcripts); c.1247T>C, p.Phe416Ser (NM_001413031.1, NM_001413038.1); c.2384T>C, p.Phe795Ser (NM_001413033.1); c.2387T>C, p.Phe796Ser (NM_001413025.1); c.1445T>C, p.Phe482Ser (NM_001413028.1, NM_001413021.1, NM_001413022.1 and 5 more transcripts); c.2222T>C, p.Phe741Ser (NM_001413017.1); and 7 more; short protein forms F722S, F795S, F350S, F416S, F460S, F741S, F807S, F839S.
Identifiers: ClinVar variation 1999193 (VCV001999193.5), dbSNP rs2538002817, ClinGen allele CA372677247.